The following is an entry in ClinVar:

NM_001197104.2(KMT2A):c.6576C>T (p.Ser2192=)

Gene: KMT2A (lysine methyltransferase 2A; plus strand). Cytogenetic location: 11q23.3.
Variant type: single nucleotide variant.
Coding change: c.6576C>T on transcript NM_001197104.2 (MANE Select); coding-DNA position 6576, C replaced by T.
Protein change: p.Ser2192=; no amino-acid change (serine 2192 retained).
Molecular consequence: synonymous variant.
Genome position (GRCh38, 1-based): chr11:118,502,468, C>T. VCF-style: chr11-118502468-C-T. GRCh37 (hg19) VCF-style: chr11-118373183-C-T.
Other names: c.6567C>T, p.Ser2189= (NM_005933.4).
Identifiers: ClinVar variation 1254341 (VCV001254341.14), dbSNP rs201483860, ClinGen allele CA6304272.

ClinVar aggregate classification (germline): Benign/Likely benign. Review status: criteria provided, multiple submitters, no conflicts (2 of 4 stars). 4 submissions from 4 submitters: Benign (2); Likely benign (1). 1 of the submissions does not count toward it. Last evaluated 2025-09-25.

Conditions:
KMT2A-related disorder. Also called: KMT2A-related condition.
Wiedemann-Steiner syndrome (WDSTS). Also called: Growth deficiency and mental retardation with facial dysmorphism. Identifiers: Orphanet 319182, MedGen C1854630, MONDO:0011518, OMIM 605130.

Allele frequency attached by ClinVar (database versions not stated): gnomAD exomes 0.00006 and 0.00052; 1000 Genomes Project 30x 0.00016; 1000 Genomes Project 0.00020; gnomAD 0.00020 and 0.00021; TOPMed 0.00020; ExAC 0.00054.
gnomAD v4.1: 117 of 1,613,950 alleles (0.0072%); highest among the groups gnomAD compares: East Asian, 0.25%; 1 homozygote.

Submissions (4):

Labcorp Genetics (formerly Invitae), Labcorp
Classification: Benign. Last evaluated: 2025-09-25. Review status: criteria provided, single submitter. Criteria: Invitae Variant Classification Sherloc (09022015). Collection method: clinical testing. Allele origin: germline.

GeneDx
Classification: Benign. Last evaluated: 2021-08-26. Review status: criteria provided, single submitter. Criteria: GeneDx Variant Classification Process June 2021. Collection method: clinical testing. Allele origin: germline. Affected: yes.

Fulgent Genetics
Classification: Likely benign for Wiedemann-Steiner syndrome. Last evaluated: 2021-08-23. Review status: criteria provided, single submitter. Criteria: ACMG Guidelines, 2015. Collection method: clinical testing. Allele origin: unknown.

PreventionGenetics, part of Exact Sciences
Classification: Benign for KMT2A-related condition. Last evaluated: 2019-04-17. Review status: no assertion criteria provided. Collection method: clinical testing. Allele origin: germline. Not counted in ClinVar's aggregate classification.
Comment: This variant is classified as benign based on ACMG/AMP sequence variant interpretation guidelines (Richards et al. 2015 PMID: 25741868, with internal and published modifications).